The following is an entry in ClinVar:

NM_212482.4(FN1):c.6815A>G (p.His2272Arg)

Gene: FN1 (fibronectin 1; minus strand). Cytogenetic location: 2q35.
Variant type: single nucleotide variant.
Coding change: c.6815A>G on transcript NM_212482.4 (MANE Select); coding-DNA position 6815, A replaced by G.
Protein change: p.His2272Arg; replaces histidine 2272 with arginine.
Molecular consequence: missense variant.
Genome position (GRCh38, 1-based): chr2:215,370,332, T>C on the plus strand (A>G on the coding strand, the complement: FN1 is on the minus strand). VCF-style: chr2-215370332-T-C. GRCh37 (hg19) VCF-style: chr2-216235055-T-C.
Other names: c.6722A>G, p.His2241Arg (NM_001306129.2); c.6185A>G, p.His2062Arg (NM_001306130.2); c.6179A>G, p.His2060Arg (NM_001306131.2); c.6104A>G, p.His2035Arg (NM_001306132.2); c.6545A>G, p.His2182Arg (NM_001365517.2); c.6542A>G, p.His2181Arg (NM_001365518.2); c.6470A>G, p.His2157Arg (NM_001365519.2); c.6467A>G, p.His2156Arg (NM_001365520.2); and 8 more; short protein forms H1971R, H2035R, H2060R, H2066R, H2125R, H2156R, H2157R, H2126R.
Identifiers: ClinVar variation 1495022 (VCV001495022.6), dbSNP rs1449572655, ClinGen allele CA350464437.

ClinVar aggregate classification (germline): Uncertain significance (1 of 4 stars; one submission).

Allele frequency attached by ClinVar (database versions not stated): gnomAD exomes below 0.00001 and 0.00001.
gnomAD v4.1: 5 of 1,614,070 alleles (0.00031%); highest among the groups gnomAD compares: Non-Finnish European, 0.00034%; no homozygotes.

Submission:

Labcorp Genetics (formerly Invitae), Labcorp
Classification: Uncertain significance. Last evaluated: 2021-11-09. Review status: criteria provided, single submitter. Criteria: Invitae Variant Classification Sherloc (09022015). Collection method: clinical testing. Allele origin: germline.
Comment: This variant has not been reported in the literature in individuals affected with FN1-related conditions. This sequence change replaces histidine, which is basic and polar, with arginine, which is basic and polar, at codon 2272 of the FN1 protein (p.His2272Arg). This variant is present in population databases (no rsID available, gnomAD 0.002%). Algorithms developed to predict the effect of missense changes on protein structure and function are either unavailable or do not agree on the potential impact of this missense change (SIFT: "Not Available"; PolyPhen-2: "Benign"; Align-GVGD: "Not Available"). In summary, the available evidence is currently insufficient to determine the role of this variant in disease. Therefore, it has been classified as a Variant of Uncertain Significance.